The following is an entry in ClinVar:

ClinVar aggregate classification (germline): Pathogenic. Review status: criteria provided, multiple submitters, no conflicts (2 of 4 stars). 4 submissions from 4 submitters: Pathogenic (4). Last evaluated 2025-06-12.

Conditions:
Cone-rod dystrophy 6 (CORD6). Also called: Cone dystrophy progressive; RETINAL CONE DYSTROPHY 2. Identifiers: Orphanet 1872, MedGen C1866293, MONDO:0011143, OMIM 601777.
Leber congenital amaurosis 1 (LCA1). Also called: Congenital absence of the rods and cones; Leber's congenital tapetoretinal degeneration; Leber's congenital tapetoretinal dysplasia; AMAUROSIS CONGENITA OF LEBER I; RETINAL BLINDNESS, CONGENITAL. Identifiers: Orphanet 65, MedGen C2931258, MONDO:0008764, OMIM 204000.

Allele frequency attached by ClinVar (database versions not stated): TOPMed 0.00002.

Submissions (4):

Labcorp Genetics (formerly Invitae), Labcorp
Classification: Pathogenic for Leber congenital amaurosis 1; Cone-rod dystrophy 6. Last evaluated: 2025-06-12. Review status: criteria provided, single submitter. Criteria: Invitae Variant Classification Sherloc (09022015). Collection method: clinical testing. Allele origin: germline.
Comment: This sequence change affects an acceptor splice site in intron 9 of the GUCY2D gene. It is expected to disrupt RNA splicing. Variants that disrupt the donor or acceptor splice site typically lead to a loss of protein function (PMID: 16199547), and loss-of-function variants in GUCY2D are known to be pathogenic (PMID: 10951519, 11328726). This variant is not present in population databases (gnomAD no frequency). Disruption of this splice site has been observed in individuals with autosomal recessive Leber congenital amaurosis (PMID: 10951519; internal data). ClinVar contains an entry for this variant (Variation ID: 803315). Algorithms developed to predict the effect of sequence changes on RNA splicing suggest that this variant may disrupt the consensus splice site. For these reasons, this variant has been classified as Pathogenic.

Dasa
Classification: Pathogenic. Last evaluated: 2024-05-28. Review status: criteria provided, single submitter. Criteria: DASA Assertion Criteria. Collection method: clinical testing. Allele origin: germline.
Comment: NM_000180.4(GUCY2D):c.1957-2A>G introduces a premature termination codon predicted to result in loss of normal protein function. Loss-of-function is an established mechanism of disease for this gene. This variant has been reported in individuals with related phenotype. This variant has been observed in affected individuals with related phenotype in a genotype context consistent with recessive disease. Multiple computational predictions support a deleterious effect on the gene or gene product. The variant is present at low frequency in population datasets. Based on the available data, this variant is classified as pathogenic.

Mendelics
Classification: Pathogenic for Leber congenital amaurosis 1. Last evaluated: 2023-04-05. Review status: criteria provided, single submitter. Criteria: Mendelics Assertion Criteria 2017. Collection method: clinical testing. Allele origin: unknown.

DBGen Ocular Genomics
Classification: Pathogenic for Leber congenital amaurosis 1. Last evaluated: 2021-06-16. Review status: criteria provided, single submitter. Criteria: ACMG Guidelines, 2015. Collection method: clinical testing. Allele origin: germline. Affected: yes. Observed: 1 variant allele.

Literature cited by the submitters: PubMed 16199547 (cited by Labcorp Genetics (formerly Invitae), Labcorp); PubMed 10951519 (cited by Labcorp Genetics (formerly Invitae), Labcorp); PubMed 11328726 (cited by Labcorp Genetics (formerly Invitae), Labcorp).

NM_000180.4(GUCY2D):c.1957-2A>G

Gene: GUCY2D (guanylate cyclase 2D, retinal; plus strand). Cytogenetic location: 17p13.1.
Variant type: single nucleotide variant.
Coding change: c.1957-2A>G on transcript NM_000180.4 (MANE Select); the canonical splice acceptor site of the intron before coding-DNA position 1957, A replaced by G.
Molecular consequence: splice acceptor variant.
Genome position (GRCh38, 1-based): chr17:8,012,448, A>G. VCF-style: chr17-8012448-A-G. GRCh37 (hg19) VCF-style: chr17-7915766-A-G.
Identifiers: ClinVar variation 803315 (VCV000803315.12), dbSNP rs945734402, ClinGen allele CA287531123.